The following is an entry in ClinVar:

NM_001372.4(DNAH9):c.446A>C (p.Lys149Thr)

Gene: DNAH9 (dynein axonemal heavy chain 9; plus strand). Cytogenetic location: 17p12.
Variant type: single nucleotide variant.
Coding change: c.446A>C on transcript NM_001372.4 (MANE Select); coding-DNA position 446, A replaced by C.
Protein change: p.Lys149Thr; replaces lysine 149 with threonine.
Molecular consequence: missense variant.
Genome position (GRCh38, 1-based): chr17:11,608,157, A>C. VCF-style: chr17-11608157-A-C. GRCh37 (hg19) VCF-style: chr17-11511474-A-C.
Other names: short protein forms K149T.
Identifiers: ClinVar variation 2124286 (VCV002124286.4), dbSNP rs2544199825, ClinGen allele CA398158551.

ClinVar aggregate classification (germline): Uncertain significance (1 of 4 stars; one submission).

Submission:

Labcorp Genetics (formerly Invitae), Labcorp
Classification: Uncertain significance. Last evaluated: 2022-05-12. Review status: criteria provided, single submitter. Criteria: Invitae Variant Classification Sherloc (09022015). Collection method: clinical testing. Allele origin: germline.
Comment: Algorithms developed to predict the effect of missense changes on protein structure and function are either unavailable or do not agree on the potential impact of this missense change (SIFT: "Deleterious"; PolyPhen-2: "Benign"; Align-GVGD: "Class C0"). In summary, the available evidence is currently insufficient to determine the role of this variant in disease. Therefore, it has been classified as a Variant of Uncertain Significance. This variant has not been reported in the literature in individuals affected with DNAH9-related conditions. This sequence change replaces lysine, which is basic and polar, with threonine, which is neutral and polar, at codon 149 of the DNAH9 protein (p.Lys149Thr). This variant is not present in population databases (gnomAD no frequency).